The following is an entry in ClinVar:

NM_002292.4(LAMB2):c.2102G>T (p.Ser701Ile)

Gene: LAMB2 (laminin subunit beta 2; minus strand). Cytogenetic location: 3p21.31.
Variant type: single nucleotide variant.
Coding change: c.2102G>T on transcript NM_002292.4 (MANE Select); coding-DNA position 2102, G replaced by T.
Protein change: p.Ser701Ile; replaces serine 701 with isoleucine.
Molecular consequence: missense variant.
Genome position (GRCh38, 1-based): chr3:49,126,414, C>A on the plus strand (G>T on the coding strand, the complement: LAMB2 is on the minus strand). VCF-style: chr3-49126414-C-A. GRCh37 (hg19) VCF-style: chr3-49163847-C-A.
Other names: short protein forms S701I.
Identifiers: ClinVar variation 2419832 (VCV002419832.7), dbSNP rs916381198, ClinGen allele CA74482127.

ClinVar aggregate classification (germline): Uncertain significance (1 of 4 stars; one submission).

Conditions:
Pierson syndrome. Also called: MICROCORIA-CONGENITAL NEPHROTIC SYNDROME. Identifiers: Orphanet 2670, MedGen C1836876, MONDO:0012184, OMIM 609049.
LAMB2-related infantile-onset nephrotic syndrome. Also called: Nephrotic Syndrome, type 5; NEPHROTIC SYNDROME, TYPE 5, WITHOUT OCULAR ABNORMALITIES; NEPHROTIC SYNDROME, TYPE 5, WITH OCULAR ABNORMALITIES. Identifiers: Orphanet 306507, MedGen C3280113, MONDO:0013621, OMIM 614199.

Allele frequency attached by ClinVar (database versions not stated): TOPMed 0.00001.
gnomAD v4.1: 15 of 1,614,184 alleles (0.00093%); highest among the groups gnomAD compares: Non-Finnish European, 0.0013%; no homozygotes.

Submission:

Labcorp Genetics (formerly Invitae), Labcorp
Classification: Uncertain significance for LAMB2-related infantile-onset nephrotic syndrome; Pierson syndrome. Last evaluated: 2022-07-17. Review status: criteria provided, single submitter. Criteria: Invitae Variant Classification Sherloc (09022015). Collection method: clinical testing. Allele origin: germline.
Comment: This sequence change replaces serine, which is neutral and polar, with isoleucine, which is neutral and non-polar, at codon 701 of the LAMB2 protein (p.Ser701Ile). This variant is not present in population databases (gnomAD no frequency). This variant has not been reported in the literature in individuals affected with LAMB2-related conditions. Algorithms developed to predict the effect of missense changes on protein structure and function (SIFT, PolyPhen-2, Align-GVGD) all suggest that this variant is likely to be tolerated. In summary, the available evidence is currently insufficient to determine the role of this variant in disease. Therefore, it has been classified as a Variant of Uncertain Significance.